The following is an entry in ClinVar:

NM_001123385.2(BCOR):c.5033G>A (p.Arg1678His)

Gene: BCOR (BCL6 corepressor; minus strand). Cytogenetic location: Xp11.4.
Variant type: single nucleotide variant.
Coding change: c.5033G>A on transcript NM_001123385.2 (MANE Select); coding-DNA position 5033, G replaced by A.
Protein change: p.Arg1678His; replaces arginine 1678 with histidine.
Molecular consequence: missense variant. On other transcripts: 3 prime UTR variant (1).
Genome position (GRCh38, 1-based): chrX:40,052,344, C>T on the plus strand (G>A on the coding strand, the complement: BCOR is on the minus strand). VCF-style: chrX-40052344-C-T. GRCh37 (hg19) VCF-style: chrX-39911597-C-T.
Other names: c.4931G>A, p.Arg1644His (NM_001123383.2, NM_001438208.1, NM_017745.6); c.4877G>A, p.Arg1626His (NM_001123384.2); c.5033G>A, p.Arg1678His (NM_001437510.1); c.*101G>A (NM_001437511.1); c.4979G>A, p.Arg1660His (NM_001438207.1); short protein forms R1626H, R1644H, R1660H, R1678H.
Identifiers: ClinVar variation 4280975 (VCV004280975.7).

ClinVar aggregate classification (germline): Likely benign (1 of 4 stars; one submission).

gnomAD v4.1: 12 of 1,209,621 alleles (0.00099%); highest among the groups gnomAD compares: South Asian, 0.0018%; no homozygotes.

Submission:

CeGaT Center for Human Genetics Tuebingen
Classification: Likely benign. Last evaluated: 2025-09-01. Review status: criteria provided, single submitter. Criteria: CeGaT Center For Human Genetics Tuebingen Variant Classification Criteria Version 2. Collection method: clinical testing. Allele origin: germline. Affected: yes. Observed: 1 variant allele.
Comment: BCOR: BS2